The following is an entry in ClinVar:

ClinVar aggregate classification (germline): Uncertain significance (1 of 4 stars; one submission).

Conditions:
FGFR3-related chondrodysplasia. Identifiers: Orphanet 93420, MedGen C5681604, MONDO:0019685.

Submission:

Genomenon, Inc
Classification: Uncertain significance for FGFR3-related chondrodysplasia. Last evaluated: 2026-06-23. Review status: criteria provided, single submitter. Criteria: Genomenon Sequence Variant Interpretation Standards - Updated. Collection method: curation. Allele origin: germline. Affected: no.
Comment: FGFR3 p.Leu437Met (c.1309C>A) is a missense variant that changes the amino acid at codon 437 from Leucine to Methionine. This variant has been reported in the published literature (PMID:41062690). It is absent or not present at a significant frequency in gnomAD. In conclusion, we classify FGFR3 p.Leu437Met (c.1309C>A) as a variant of uncertain significance.

Literature cited by the submitters: PubMed 41062690.

NM_000142.5(FGFR3):c.1309C>A (p.Leu437Met)

Gene: FGFR3 (fibroblast growth factor receptor 3; plus strand). Cytogenetic location: 4p16.3.
Variant type: single nucleotide variant.
Coding change: c.1309C>A on transcript NM_000142.5 (MANE Select); coding-DNA position 1309, C replaced by A.
Protein change: p.Leu437Met; replaces leucine 437 with methionine.
Molecular consequence: missense variant. On other transcripts: non-coding transcript variant (1).
Genome position (GRCh38, 1-based): chr4:1,804,866, C>A. VCF-style: chr4-1804866-C-A. GRCh37 (hg19) VCF-style: chr4-1806593-C-A.
Other names: c.1315C>A, p.Leu439Met (NM_001163213.2); c.1312C>A, p.Leu438Met (NM_001354809.2, NM_001354810.2); c.973C>A, p.Leu325Met (NM_022965.4); short protein forms L325M, L437M, L438M, L439M.
Identifiers: ClinVar variation 4857782 (VCV004857782.1).